The following is an entry in ClinVar:

ClinVar aggregate classification (germline): Uncertain significance. Review status: criteria provided, multiple submitters, no conflicts (2 of 4 stars). 2 submissions from 2 submitters: Uncertain significance (2). Last evaluated 2025-06-30.

Conditions:
Neutropenia, severe congenital, 1, autosomal dominant. Identifiers: MedGen C1859966, MONDO:0042490, OMIM 202700.
Cyclical neutropenia. Also called: Cyclic Neutropenia; Cyclic hematopoiesis. Identifiers: Orphanet 2686, MedGen C0221023, MONDO:0008090, OMIM 162800, HP:0040289. Disease mechanism: loss of function.
Inborn genetic diseases. Identifiers: MedGen C0950123, MeSH D030342.

gnomAD v4.1: 1 of 1,610,120 alleles (0.000062%); highest among the groups gnomAD compares: Non-Finnish European, 0.000085%; no homozygotes.

Submissions (2):

Ambry Genetics
Classification: Uncertain significance for Inborn genetic diseases. Last evaluated: 2025-06-30. Review status: criteria provided, single submitter. Criteria: Ambry Variant Classification Scheme 2023. Collection method: clinical testing. Allele origin: germline.
Comment: The p.R5L variant (also known as c.14G>T), located in coding exon 1 of the ELANE gene, results from a G to T substitution at nucleotide position 14. The arginine at codon 5 is replaced by leucine, an amino acid with dissimilar properties. This amino acid position is conserved. In addition, this alteration is predicted to be tolerated by in silico analysis. Based on the available evidence, the clinical significance of this variant remains unclear.

Labcorp Genetics (formerly Invitae), Labcorp
Classification: Uncertain significance for Neutropenia, severe congenital, 1, autosomal dominant; Cyclical neutropenia. Last evaluated: 2022-09-09. Review status: criteria provided, single submitter. Criteria: Invitae Variant Classification Sherloc (09022015). Collection method: clinical testing. Allele origin: germline.
Comment: This sequence change replaces arginine, which is basic and polar, with leucine, which is neutral and non-polar, at codon 5 of the ELANE protein (p.Arg5Leu). This variant is not present in population databases (gnomAD no frequency). This variant has not been reported in the literature in individuals affected with ELANE-related conditions. Algorithms developed to predict the effect of missense changes on protein structure and function (SIFT, PolyPhen-2, Align-GVGD) all suggest that this variant is likely to be tolerated. In summary, the available evidence is currently insufficient to determine the role of this variant in disease. Therefore, it has been classified as a Variant of Uncertain Significance.

NM_001972.4(ELANE):c.14G>T (p.Arg5Leu)

Gene: ELANE (elastase, neutrophil expressed; plus strand). Cytogenetic location: 19p13.3.
Variant type: single nucleotide variant.
Coding change: c.14G>T on transcript NM_001972.4 (MANE Select); coding-DNA position 14, G replaced by T.
Protein change: p.Arg5Leu; replaces arginine 5 with leucine.
Molecular consequence: missense variant.
Genome position (GRCh38, 1-based): chr19:852,342, G>T. VCF-style: chr19-852342-G-T. GRCh37 (hg19) VCF-style: chr19-852342-G-T.
Other names: short protein forms R5L.
Identifiers: ClinVar variation 2413449 (VCV002413449.8), dbSNP rs1050778419, ClinGen allele CA402914170.